The following is an entry in ClinVar:

NM_006393.3(NEBL):c.1677G>T (p.Lys559Asn)

Gene: NEBL (nebulette; minus strand). Cytogenetic location: 10p12.31.
Variant type: single nucleotide variant.
Coding change: c.1677G>T on transcript NM_006393.3 (MANE Select); coding-DNA position 1677, G replaced by T.
Protein change: p.Lys559Asn; replaces lysine 559 with asparagine.
Molecular consequence: missense variant. On other transcripts: intron variant (9).
Genome position (GRCh38, 1-based): chr10:20,828,629, C>A on the plus strand (G>T on the coding strand, the complement: NEBL is on the minus strand). VCF-style: chr10-20828629-C-A. GRCh37 (hg19) VCF-style: chr10-21117558-C-A.
Other names: c.250-15689G>T (NM_001377326.1, NM_001377327.1, NM_001377328.1); c.358-15689G>T (NM_213569.2, NM_001173484.2, NM_001377322.1); c.301-15689G>T (NM_001377324.1); c.292-15689G>T (NM_001377325.1); c.310-15689G>T (NM_001377323.1); short protein forms K559N.
Identifiers: ClinVar variation 654343 (VCV000654343.10), dbSNP rs1013844942, ClinGen allele CA204163571.
Genomic context (GRCh38, chr10:20,828,629, plus strand): 5'-TTCAGGAGTATCTGCTATGGTAGAATAGTTAGAAAGCATCTTCTCTGCTTCATCTTTATA[C>A]TTTCTCTAAAAACATAAACAGTTAATATAAATCTGAAACTATGTGTGTGCGCACATGTGA-3'
Protein context (NP_006384.1, residues 549-569): KRTSEIYSQR[Lys559Asn]YKDEAEKMLS

ClinVar aggregate classification (germline): Uncertain significance. Review status: criteria provided, multiple submitters, no conflicts (2 of 4 stars). 2 submissions from 2 submitters: Uncertain significance (2). Last evaluated 2025-07-15.

Conditions:
Primary dilated cardiomyopathy (DCM). Also called: Dilated Cardiomyopathy. Identifiers: Orphanet 217604, MedGen C0007193, MeSH D002311, MONDO:0005021, HP:0001644. Inheritance: Various modes of inheritance.

Allele frequency attached by ClinVar (database versions not stated): gnomAD exomes below 0.00001; TOPMed 0.00002.
gnomAD v4.1: 2 of 1,554,360 alleles (0.00013%); highest among the groups gnomAD compares: Non-Finnish European, 0.00018%; no homozygotes.

Submissions (2):

Ambry Genetics
Classification: Uncertain significance. Last evaluated: 2025-07-15. Review status: criteria provided, single submitter. Criteria: Ambry Variant Classification Scheme 2023. Collection method: clinical testing. Allele origin: germline.

Labcorp Genetics (formerly Invitae), Labcorp
Classification: Uncertain significance for Primary dilated cardiomyopathy. Last evaluated: 2024-10-14. Review status: criteria provided, single submitter. Criteria: Invitae Variant Classification Sherloc (09022015). Collection method: clinical testing. Allele origin: germline.
Comment: This sequence change replaces lysine, which is basic and polar, with asparagine, which is neutral and polar, at codon 559 of the NEBL protein (p.Lys559Asn). This variant is present in population databases (no rsID available, gnomAD 0.007%). This variant has not been reported in the literature in individuals affected with NEBL-related conditions. ClinVar contains an entry for this variant (Variation ID: 654343). An algorithm developed to predict the effect of missense changes on protein structure and function (PolyPhen-2) suggests that this variant is likely to be disruptive. In summary, the available evidence is currently insufficient to determine the role of this variant in disease. Therefore, it has been classified as a Variant of Uncertain Significance.